The following is an entry in ClinVar:

ClinVar aggregate classification (germline): Uncertain significance (1 of 4 stars; one submission).

Conditions:
RECQL5-related disorder. Also called: RECQL5-related condition.

Submission:

PreventionGenetics, part of Exact Sciences
Classification: Uncertain significance for RECQL5-related condition. Last evaluated: 2026-06-01. Review status: criteria provided, single submitter. Criteria: ACMG Guidelines, 2015. Collection method: clinical testing. Allele origin: germline.
Comment: The RECQL5 c.1670delT variant is predicted to result in a frameshift and premature protein termination (p.Leu557Argfs*5). To our knowledge, this variant has not been reported in the literature. This variant is reported in 0.0027% of alleles in individuals of European (Non-Finnish) descent in gnomAD and was absent from ClinVar at the time of reporting. At this time, the clinical significance of this variant is uncertain due to the absence of conclusive functional and genetic evidence to establish that loss-of-function variants in RECQL5 are associated with disease.

NM_004259.7(RECQL5):c.1670del (p.Leu557fs)

Gene: RECQL5 (RecQ like helicase 5; minus strand). Cytogenetic location: 17q25.1.
Variant type: Deletion.
Coding change: c.1670del on transcript NM_004259.7 (MANE Select); coding-DNA position 1670, one base deleted (T; older notation c.1670delT).
Protein change: p.Leu557fs; shifts the reading frame from leucine 557.
Molecular consequence: frameshift variant.
Genome position (GRCh38, 1-based): chr17:75,630,667, A deleted on the plus strand (T on the coding strand, the reverse complement: RECQL5 is on the minus strand). VCF-style (leftmost placement, unchanged base first): chr17-75630666-CA-C. GRCh37 (hg19) VCF-style: chr17-73626746-CA-C.
Other names: short protein forms L557fs.
Identifiers: ClinVar variation 4994688 (VCV004994688.1).